The following is an entry in ClinVar:

ClinVar aggregate classification (germline): Uncertain significance (1 of 4 stars; one submission).

Conditions:
Giant axonal neuropathy 1 (GAN1). Also called: GIANT AXONAL NEUROPATHY 1, AUTOSOMAL RECESSIVE; GAN-Related Neurodegeneration. Identifiers: Orphanet 643, MedGen C1850386, MONDO:0009749, OMIM 256850.

Submission:

Labcorp Genetics (formerly Invitae), Labcorp
Classification: Uncertain significance for Giant axonal neuropathy 1. Last evaluated: 2018-11-26. Review status: criteria provided, single submitter. Criteria: Invitae Variant Classification Sherloc (09022015). Collection method: clinical testing. Allele origin: germline.
Comment: In summary, the available evidence is currently insufficient to determine the role of this variant in disease. Therefore, it has been classified as a Variant of Uncertain Significance. Algorithms developed to predict the effect of missense changes on protein structure and function are either unavailable or do not agree on the potential impact of this missense change (SIFT: "Tolerated"; PolyPhen-2: "Probably Damaging"; Align-GVGD: "Class C0"). This variant has not been reported in the literature in individuals with GAN-related conditions. This variant is not present in population databases (ExAC no frequency). This sequence change replaces glutamic acid with glycine at codon 192 of the GAN protein (p.Glu192Gly). The glutamic acid residue is highly conserved and there is a moderate physicochemical difference between glutamic acid and glycine.

NM_022041.4(GAN):c.575A>G (p.Glu192Gly)

Gene: GAN (gigaxonin; plus strand). Cytogenetic location: 16q23.2.
Variant type: single nucleotide variant.
Coding change: c.575A>G on transcript NM_022041.4 (MANE Select); coding-DNA position 575, A replaced by G.
Protein change: p.Glu192Gly; replaces glutamic acid 192 with glycine.
Molecular consequence: missense variant. On other transcripts: 5 prime UTR variant (1).
Genome position (GRCh38, 1-based): chr16:81,354,697, A>G. VCF-style: chr16-81354697-A-G. GRCh37 (hg19) VCF-style: chr16-81388302-A-G.
Other names: c.-65A>G (NM_001377486.1); short protein forms E192G.
Identifiers: ClinVar variation 651498 (VCV000651498.8), dbSNP rs1597401698, ClinGen allele CA396869058.
Genomic context (GRCh38, chr16:81,354,697, plus strand): 5'-AGCTGAGTCCTCAAAAGCTTAAAGAAGTGATTTCTCTTGAGAAGTTAAACGTTGGCAATG[A>G]AAGATATGTCTTTGAAGCAGTAATTCGATGGATAGCACATGATACAGAAATAAGAAAGGT-3'
Protein context (NP_071324.1, residues 182-202): ISLEKLNVGN[Glu192Gly]RYVFEAVIRW